The following is an entry in ClinVar:

ClinVar aggregate classification (germline): Conflicting classifications of pathogenicity. Review status: criteria provided, conflicting classifications (1 of 4 stars). 4 submissions from 4 submitters: Uncertain significance (1); Likely benign (3). Last evaluated 2026-05-11.

Conditions:
Cone-rod dystrophy 5 (CORD5). Identifiers: Orphanet 1872, MedGen C1832976, MONDO:0010969, OMIM 600977.
PITPNM3-related disorder. Also called: PITPNM3-related condition.

Allele frequency attached by ClinVar (database versions not stated): TOPMed below 0.00001; gnomAD exomes 0.00001; ExAC 0.00002; gnomAD 0.00002.
gnomAD v4.1: 18 of 1,611,832 alleles (0.0011%); highest among the groups gnomAD compares: East Asian, 0.0022%; no homozygotes.

Submissions (4):

PreventionGenetics, part of Exact Sciences
Classification: Likely benign for PITPNM3-related condition. Last evaluated: 2026-05-11. Review status: criteria provided, single submitter. Criteria: ACMG Guidelines, 2015. Collection method: clinical testing. Allele origin: germline.
Comment: This variant is classified as likely benign based on ACMG/AMP sequence variant interpretation guidelines (Richards et al. 2015 PMID: 25741868, with internal and published modifications).

Labcorp Genetics (formerly Invitae), Labcorp
Classification: Likely benign. Last evaluated: 2024-01-08. Review status: criteria provided, single submitter. Criteria: Invitae Variant Classification Sherloc (09022015). Collection method: clinical testing. Allele origin: germline.

Blueprint Genetics
Classification: Likely benign. Last evaluated: 2020-09-02. Review status: criteria provided, single submitter. Criteria: ACMG Guidelines, 2015. Collection method: clinical testing. Allele origin: germline.

Illumina Laboratory Services, Illumina
Classification: Uncertain significance for Cone-rod dystrophy 5. Last evaluated: 2018-01-13. Review status: criteria provided, single submitter. Criteria: ICSL Variant Classification Criteria 13 December 2019. Collection method: clinical testing. Allele origin: germline.

NM_031220.4(PITPNM3):c.651C>T (p.Ala217=)

Gene: PITPNM3 (PITPNM family member 3; minus strand). Cytogenetic location: 17p13.2.
Variant type: single nucleotide variant.
Coding change: c.651C>T on transcript NM_031220.4 (MANE Select); coding-DNA position 651, C replaced by T.
Protein change: p.Ala217=; no amino-acid change (alanine 217 retained).
Molecular consequence: synonymous variant.
Genome position (GRCh38, 1-based): chr17:6,478,673, G>A on the plus strand (C>T on the coding strand, the complement: PITPNM3 is on the minus strand). VCF-style: chr17-6478673-G-A. GRCh37 (hg19) VCF-style: chr17-6381993-G-A.
Other names: c.543C>T, p.Ala181= (NM_001165966.2).
Identifiers: ClinVar variation 889654 (VCV000889654.13), dbSNP rs773305845, ClinGen allele CA8329776.